The following is an entry in ClinVar:

NM_001082486.2(ACD):c.223G>T (p.Ala75Ser)

Gene: ACD (ACD shelterin complex subunit and telomerase recruitment factor; minus strand). Cytogenetic location: 16q22.1.
Variant type: single nucleotide variant.
Coding change: c.223G>T on transcript NM_001082486.2 (MANE Select); coding-DNA position 223, G replaced by T.
Protein change: p.Ala75Ser; replaces alanine 75 with serine.
Molecular consequence: missense variant.
Genome position (GRCh38, 1-based): chr16:67,659,922, C>A on the plus strand (G>T on the coding strand, the complement: ACD is on the minus strand). VCF-style: chr16-67659922-C-A. GRCh37 (hg19) VCF-style: chr16-67693825-C-A.
Other names: c.223G>T, p.Ala75Ser (NM_001410884.1); c.214G>T, p.Ala72Ser (NM_022914.3); short protein forms A72S, A75S.
Identifiers: ClinVar variation 1743354 (VCV001743354.2), dbSNP rs2543610078, ClinGen allele CA396356487.

ClinVar aggregate classification (germline): Uncertain significance (1 of 4 stars; one submission).

Conditions:
Inborn genetic diseases. Identifiers: MedGen C0950123, MeSH D030342.

Submission:

Ambry Genetics
Classification: Uncertain significance for Inborn genetic diseases. Last evaluated: 2021-09-15. Review status: criteria provided, single submitter. Criteria: Ambry Variant Classification Scheme 2023. Collection method: clinical testing. Allele origin: germline.
Comment: The p.A161S variant (also known as c.481G>T), located in coding exon 2 of the ACD gene, results from a G to T substitution at nucleotide position 481. The alanine at codon 161 is replaced by serine, an amino acid with similar properties. This amino acid position is conserved. In addition, this alteration is predicted to be tolerated by in silico analysis. Since supporting evidence is limited at this time, the clinical significance of this alteration remains unclear.